The following is an entry in ClinVar:

NM_004366.6(CLCN2):c.441C>G (p.Phe147Leu)

Gene: CLCN2 (chloride voltage-gated channel 2; minus strand). Cytogenetic location: 3q27.1.
Variant type: single nucleotide variant.
Coding change: c.441C>G on transcript NM_004366.6 (MANE Select); coding-DNA position 441, C replaced by G.
Protein change: p.Phe147Leu; replaces phenylalanine 147 with leucine.
Molecular consequence: missense variant.
Genome position (GRCh38, 1-based): chr3:184,358,222, G>C on the plus strand (C>G on the coding strand, the complement: CLCN2 is on the minus strand). VCF-style: chr3-184358222-G-C. GRCh37 (hg19) VCF-style: chr3-184076010-G-C.
Other names: c.441C>G, p.Phe147Leu (NM_001171087.3, NM_001171089.3); c.309C>G, p.Phe103Leu (NM_001171088.3); short protein forms F103L, F147L.
Identifiers: ClinVar variation 2168068 (VCV002168068.4), dbSNP rs1364293163, ClinGen allele CA355457099.
Genomic context (GRCh38, chr3:184,358,222, plus strand): 5'-CCCCTTCTCTTCTAACATACCGACAGCCTGAGGGGCCAGGATCTGTGTGAATCCGGCTGA[G>C]AAAGTGATGAGGACAACAGGGTAGGTGACCCAGGCCAGGTACTGGAGCAAGATGCTGGTG-3'
Protein context (NP_004357.3, residues 137-157): WVTYPVVLIT[Phe147Leu]SAGFTQILAP

ClinVar aggregate classification (germline): Uncertain significance (1 of 4 stars; one submission).

Allele frequency attached by ClinVar (database versions not stated): TOPMed below 0.00001.
gnomAD v4.1: 1 of 1,614,186 alleles (0.000062%); highest among the groups gnomAD compares: East Asian, 0.0022%; no homozygotes.

Submission:

Labcorp Genetics (formerly Invitae), Labcorp
Classification: Uncertain significance. Last evaluated: 2022-11-04. Review status: criteria provided, single submitter. Criteria: Invitae Variant Classification Sherloc (09022015). Collection method: clinical testing. Allele origin: germline.
Comment: This sequence change replaces phenylalanine, which is neutral and non-polar, with leucine, which is neutral and non-polar, at codon 147 of the CLCN2 protein (p.Phe147Leu). In summary, the available evidence is currently insufficient to determine the role of this variant in disease. Therefore, it has been classified as a Variant of Uncertain Significance. Advanced modeling of protein sequence and biophysical properties (such as structural, functional, and spatial information, amino acid conservation, physicochemical variation, residue mobility, and thermodynamic stability) performed at Invitae indicates that this missense variant is expected to disrupt CLCN2 protein function. This variant has not been reported in the literature in individuals affected with CLCN2-related conditions. This variant is not present in population databases (gnomAD no frequency).